The following is an entry in ClinVar:

NM_002528.7(NTHL1):c.525+6C>G

Gene: NTHL1 (nth like DNA glycosylase 1; minus strand). Cytogenetic location: 16p13.3.
Variant type: single nucleotide variant.
Coding change: c.525+6C>G on transcript NM_002528.7 (MANE Select); 6 bases into the intron after coding-DNA position 525, C replaced by G.
Molecular consequence: intron variant.
Genome position (GRCh38, 1-based): chr16:2,044,624, G>C on the plus strand (C>G on the coding strand, the complement: NTHL1 is on the minus strand). VCF-style: chr16-2044624-G-C. GRCh37 (hg19) VCF-style: chr16-2094625-G-C.
Other names: c.195+6C>G (NM_001318194.2); c.355-898C>G (NM_001318193.2).
Identifiers: ClinVar variation 2743643 (VCV002743643.3), dbSNP rs2150942172, ClinGen allele CA2697549544.

ClinVar aggregate classification (germline): Uncertain significance (1 of 4 stars; one submission).

Submission:

Labcorp Genetics (formerly Invitae), Labcorp
Classification: Uncertain significance. Last evaluated: 2023-07-16. Review status: criteria provided, single submitter. Criteria: Invitae Variant Classification Sherloc (09022015). Collection method: clinical testing. Allele origin: germline.
Comment: In summary, the available evidence is currently insufficient to determine the role of this variant in disease. Therefore, it has been classified as a Variant of Uncertain Significance. Variants that disrupt the consensus splice site are a relatively common cause of aberrant splicing (PMID: 17576681, 9536098). Algorithms developed to predict the effect of sequence changes on RNA splicing suggest that this variant is not likely to affect RNA splicing. This variant has not been reported in the literature in individuals affected with NTHL1-related conditions. This variant is not present in population databases (gnomAD no frequency). This sequence change falls in intron 3 of the NTHL1 gene. It does not directly change the encoded amino acid sequence of the NTHL1 protein. It affects a nucleotide within the consensus splice site.

Literature cited by the submitters: PubMed 17576681; PubMed 9536098.